The following is an entry in ClinVar:

ClinVar aggregate classification (germline): Uncertain significance (1 of 4 stars; one submission).

Conditions:
Hereditary cancer-predisposing syndrome. Also called: Tumor predisposition; Hereditary Cancer Syndrome; Neoplastic Syndromes, Hereditary; Hereditary neoplastic syndrome. Identifiers: Orphanet 140162, MedGen C0027672, MeSH D009386, MONDO:0015356.

Submission:

Ambry Genetics
Classification: Uncertain significance for Hereditary cancer-predisposing syndrome. Last evaluated: 2025-09-06. Review status: criteria provided, single submitter. Criteria: Ambry Variant Classification Scheme 2023. Collection method: clinical testing. Allele origin: germline.
Comment: The p.Q865H variant (also known as c.2595G>C), located in coding exon 20 of the POLD1 gene, results from a G to C substitution at nucleotide position 2595. The glutamine at codon 865 is replaced by histidine, an amino acid with highly similar properties. This amino acid position is conserved. In addition, this alteration is predicted to be tolerated by in silico analysis. Since supporting evidence is limited at this time, the clinical significance of this alteration remains unclear.

NM_002691.4(POLD1):c.2595G>C (p.Gln865His)

Gene: POLD1 (DNA polymerase delta 1, catalytic subunit; plus strand). Cytogenetic location: 19q13.33.
Variant type: single nucleotide variant.
Coding change: c.2595G>C on transcript NM_002691.4 (MANE Select); coding-DNA position 2595, G replaced by C.
Protein change: p.Gln865His; replaces glutamine 865 with histidine.
Molecular consequence: missense variant. On other transcripts: non-coding transcript variant (1).
Genome position (GRCh38, 1-based): chr19:50,415,468, G>C. VCF-style: chr19-50415468-G-C. GRCh37 (hg19) VCF-style: chr19-50918725-G-C.
Other names: c.2595G>C, p.Gln865His (NM_001256849.1); c.2673G>C, p.Gln891His (NM_001308632.1); short protein forms Q865H, Q891H.
Identifiers: ClinVar variation 1793565 (VCV001793565.3), dbSNP rs1273286625, ClinGen allele CA406985365.